The following is an entry in ClinVar:

NM_001197104.2(KMT2A):c.9523A>G (p.Ser3175Gly)

Gene: KMT2A (lysine methyltransferase 2A; plus strand). Cytogenetic location: 11q23.3.
Variant type: single nucleotide variant.
Coding change: c.9523A>G on transcript NM_001197104.2 (MANE Select); coding-DNA position 9523, A replaced by G.
Protein change: p.Ser3175Gly; replaces serine 3175 with glycine.
Molecular consequence: missense variant.
Genome position (GRCh38, 1-based): chr11:118,505,415, A>G. VCF-style: chr11-118505415-A-G. GRCh37 (hg19) VCF-style: chr11-118376130-A-G.
Other names: c.9613A>G, p.Ser3205Gly (NM_001412597.1); c.9514A>G, p.Ser3172Gly (NM_005933.4); short protein forms S3172G, S3175G, S3205G.
Identifiers: ClinVar variation 2505737 (VCV002505737.4), dbSNP rs201921171, ClinGen allele CA6304604.
Genomic context (GRCh38, chr11:118,505,415, plus strand): 5'-GGATTGCTACCCATGTCTCATCACCAGCACTTACATTCCTTCCCTGCAGCTACTCAAAGT[A>G]GTTTCCCACCAAACATCAGCAATCCTCCTTCAGGCCTGCTTATTGGGGTTCAGCCTCCTC-3'
Protein context (NP_001184033.1, residues 3165-3185): LHSFPAATQS[Ser3175Gly]FPPNISNPPS

ClinVar aggregate classification (germline): Uncertain significance. Review status: criteria provided, multiple submitters, no conflicts (2 of 4 stars). 2 submissions from 2 submitters: Uncertain significance (2). Last evaluated 2024-12-12.

Allele frequency attached by ClinVar (database versions not stated): gnomAD exomes below 0.00001; ExAC 0.00001.
gnomAD v4.1: 2 of 1,614,198 alleles (0.00012%); highest among the groups gnomAD compares: Non-Finnish European, 0.00017%; no homozygotes.

Submissions (2):

GeneDx
Classification: Uncertain significance. Last evaluated: 2024-12-12. Review status: criteria provided, single submitter. Criteria: GeneDx Variant Classification Process June 2021. Collection method: clinical testing. Allele origin: germline. Affected: yes.
Comment: In silico analysis indicates that this missense variant does not alter protein structure/function; Has not been previously published as pathogenic or benign to our knowledge

Labcorp Genetics (formerly Invitae), Labcorp
Classification: Uncertain significance. Last evaluated: 2024-10-30. Review status: criteria provided, single submitter. Criteria: Invitae Variant Classification Sherloc (09022015). Collection method: clinical testing. Allele origin: germline.
Comment: This sequence change replaces serine, which is neutral and polar, with glycine, which is neutral and non-polar, at codon 3175 of the KMT2A protein (p.Ser3175Gly). This variant is present in population databases (rs201921171, gnomAD 0.0009%). This variant has not been reported in the literature in individuals affected with KMT2A-related conditions. ClinVar contains an entry for this variant (Variation ID: 2505737). Invitae Evidence Modeling of protein sequence and biophysical properties (such as structural, functional, and spatial information, amino acid conservation, physicochemical variation, residue mobility, and thermodynamic stability) indicates that this missense variant is not expected to disrupt KMT2A protein function with a negative predictive value of 95%. In summary, the available evidence is currently insufficient to determine the role of this variant in disease. Therefore, it has been classified as a Variant of Uncertain Significance.